The following is an entry in ClinVar:

NM_001903.5(CTNNA1):c.1548del (p.Asn517fs)

Gene: CTNNA1 (catenin alpha 1; plus strand). Cytogenetic location: 5q31.2.
Variant type: Deletion.
Coding change: c.1548del on transcript NM_001903.5 (MANE Select); coding-DNA position 1548, one base deleted (G; older notation c.1548delG).
Protein change: p.Asn517fs; shifts the reading frame from asparagine 517.
Molecular consequence: frameshift variant.
Genome position (GRCh38, 1-based): chr5:138,924,511, G deleted. VCF-style (leftmost placement, unchanged base first): chr5-138924510-AG-A. GRCh37 (hg19) VCF-style: chr5-138260199-AG-A.
Other names: c.1548del, p.Asn517fs (NM_001290307.3, NM_001323982.2, NM_001323983.1 and 2 more transcripts); c.1239del, p.Asn414fs (NM_001290309.3); c.1179del, p.Asn394fs (NM_001290310.3); c.438del, p.Asn147fs (NM_001290312.1, NM_001323987.1, NM_001323988.1 and 17 more transcripts); c.1455del, p.Asn486fs (NM_001323986.2); c.99del, p.Asn34fs (NM_001324006.1, NM_001324007.1, NM_001324008.1 and 2 more transcripts); c.345del, p.Asn116fs (NM_001324011.1); c.195del, p.Asn66fs (NM_001324012.1, NM_001324013.1); short protein forms N116fs, N147fs, N34fs, N394fs, N414fs, N486fs, N517fs, N66fs.
Identifiers: ClinVar variation 1013834 (VCV001013834.6), dbSNP rs1763594477, ClinGen allele CA1586083743.

ClinVar aggregate classification (germline): Pathogenic (1 of 4 stars; one submission).

Submission:

Labcorp Genetics (formerly Invitae), Labcorp
Classification: Pathogenic. Last evaluated: 2023-06-13. Review status: criteria provided, single submitter. Criteria: Invitae Variant Classification Sherloc (09022015). Collection method: clinical testing. Allele origin: germline.
Comment: This sequence change creates a premature translational stop signal (p.Asn517Ilefs*7) in the CTNNA1 gene. It is expected to result in an absent or disrupted protein product. Loss-of-function variants in CTNNA1 are known to be pathogenic (PMID: 32051609, 34425242). For these reasons, this variant has been classified as Pathogenic. ClinVar contains an entry for this variant (Variation ID: 1013834). This variant has not been reported in the literature in individuals affected with CTNNA1-related conditions. This variant is not present in population databases (gnomAD no frequency).

Literature cited by the submitters: PubMed 32051609; PubMed 34425242.